The following is an entry in ClinVar:

NM_000122.2(ERCC3):c.335dup (p.His112fs)

Gene: ERCC3 (ERCC excision repair 3, TFIIH core complex helicase subunit; minus strand). Cytogenetic location: 2q14.3.
Variant type: Duplication.
Coding change: c.335dup on transcript NM_000122.2 (MANE Select); coding-DNA position 335, one base duplicated (A; older notation c.335dupA).
Protein change: p.His112fs; shifts the reading frame from histidine 112.
Molecular consequence: frameshift variant.
Genome position (GRCh38, 1-based): chr2:127,292,746, T duplicated on the plus strand (A on the coding strand, the reverse complement: ERCC3 is on the minus strand). VCF-style (leftmost placement, unchanged base first): chr2-127292745-A-AT. GRCh37 (hg19) VCF-style: chr2-128050321-A-AT.
Other names: c.143dup, p.His48fs (NM_001303416.2, NM_001303418.2); short protein forms H48fs, H112fs.
Identifiers: ClinVar variation 4707822 (VCV004707822.1).
Genomic context (GRCh38, chr2:127,292,745, plus strand): 5'-TTGCAGCCCAACGCTGACAGCTGCATACAAGGAGTAGGCAGTTAGTTTGTACTCATGCAC[A>AT]TGGGTTGGTCGGCACACTGGCTCTGCAATAGCCACCAAGAAGTCTTGGGCATATTTGTAA-3'

ClinVar aggregate classification (germline): Pathogenic (1 of 4 stars; one submission).

Submission:

Labcorp Genetics (formerly Invitae), Labcorp
Classification: Pathogenic. Last evaluated: 2026-01-19. Review status: criteria provided, single submitter. Criteria: Invitae Variant Classification Sherloc (09022015). Collection method: clinical testing. Allele origin: germline.
Comment: This sequence change creates a premature translational stop signal (p.His112Glnfs*4) in the ERCC3 gene. It is expected to result in an absent or disrupted protein product. Loss-of-function variants in ERCC3 are known to be pathogenic (PMID: 16947863). This variant is present in population databases (no rsID available, gnomAD 0.003%). This variant has not been reported in the literature in individuals affected with ERCC3-related conditions. For these reasons, this variant has been classified as Pathogenic.

Literature cited by the submitters: PubMed 16947863.